The following is an entry in ClinVar:

ClinVar aggregate classification (germline): Uncertain significance (1 of 4 stars; one submission).

Submission:

Labcorp Genetics (formerly Invitae), Labcorp
Classification: Uncertain significance. Last evaluated: 2020-03-03. Review status: criteria provided, single submitter. Criteria: Invitae Variant Classification Sherloc (09022015). Collection method: clinical testing. Allele origin: germline.
Comment: In summary, the available evidence is currently insufficient to determine the role of this variant in disease. Therefore, it has been classified as a Variant of Uncertain Significance. Algorithms developed to predict the effect of missense changes on protein structure and function are either unavailable or do not agree on the potential impact of this missense change (SIFT: "Deleterious"; PolyPhen-2: "Possibly Damaging"; Align-GVGD: "Class C0"). This variant has not been reported in the literature in individuals with ADGRV1-related conditions. This variant is not present in population databases (ExAC no frequency). This sequence change replaces leucine with proline at codon 2256 of the ADGRV1 protein (p.Leu2256Pro). The leucine residue is moderately conserved and there is a moderate physicochemical difference between leucine and proline.

NM_032119.4(ADGRV1):c.6767T>C (p.Leu2256Pro)

Gene: ADGRV1 (adhesion G protein-coupled receptor V1; plus strand). Cytogenetic location: 5q14.3.
Variant type: single nucleotide variant.
Coding change: c.6767T>C on transcript NM_032119.4 (MANE Select); coding-DNA position 6767, T replaced by C.
Protein change: p.Leu2256Pro; replaces leucine 2256 with proline.
Molecular consequence: missense variant. On other transcripts: non-coding transcript variant (1).
Genome position (GRCh38, 1-based): chr5:90,690,857, T>C. VCF-style: chr5-90690857-T-C. GRCh37 (hg19) VCF-style: chr5-89986674-T-C.
Other names: short protein forms L2256P.
Identifiers: ClinVar variation 1058055 (VCV001058055.9), dbSNP rs2149621443, ClinGen allele CA360367669.